The following is an entry in ClinVar:

NM_000444.6(PHEX):c.719del (p.Thr240fs)

Gene: PHEX (phosphate regulating endopeptidase X-linked; plus strand). Cytogenetic location: Xp22.11.
Variant type: Deletion.
Coding change: c.719del on transcript NM_000444.6 (MANE Select); coding-DNA position 719, one base deleted (C; older notation c.719delC).
Protein change: p.Thr240fs; shifts the reading frame from threonine 240.
Molecular consequence: frameshift variant.
Genome position (GRCh38, 1-based): chrX:22,090,484, C deleted. VCF-style (leftmost placement, unchanged base first): chrX-22090483-AC-A. GRCh37 (hg19) VCF-style: chrX-22108601-AC-A.
Other names: c.719del, p.Thr240fs (NM_001282754.2); short protein forms T240fs.
Identifiers: ClinVar variation 1411356 (VCV001411356.6), dbSNP rs2147035555, ClinGen allele CA2573158749.
Genomic context (GRCh38, chrX:22,090,483, plus strand): 5'-TTACAGCTGGACCAAGCAACACTCTCCCTGGCCGTGAGGGAAGACTACCTTGATAACAGT[AC>A]AGAAGCCAAGTCTGTAAGTTTTACTCATATTCAACTATGTGCCTTACCAGGCTGCTGTCA-3'

ClinVar aggregate classification (germline): Pathogenic (1 of 4 stars; one submission).

Submission:

Labcorp Genetics (formerly Invitae), Labcorp
Classification: Pathogenic. Last evaluated: 2021-04-08. Review status: criteria provided, single submitter. Criteria: Invitae Variant Classification Sherloc (09022015). Collection method: clinical testing. Allele origin: germline.
Comment: For these reasons, this variant has been classified as Pathogenic. This variant has not been reported in the literature in individuals with PHEX-related conditions. This variant is not present in population databases (ExAC no frequency). This sequence change creates a premature translational stop signal (p.Thr240Lysfs*21) in the PHEX gene. It is expected to result in an absent or disrupted protein product. Loss-of-function variants in PHEX are known to be pathogenic (PMID: 9097956, 9106524, 19219621).

Literature cited by the submitters: PubMed 9097956; PubMed 9106524; PubMed 19219621.